The following is an entry in ClinVar:

ClinVar aggregate classification (germline): Benign/Likely benign. Review status: criteria provided, multiple submitters, no conflicts (2 of 4 stars). 5 submissions from 5 submitters: Benign (3); Likely benign (1). 1 of the submissions does not count toward it. Last evaluated 2026-02-04.

Conditions:
Hereditary cancer-predisposing syndrome. Also called: Tumor predisposition; Hereditary Cancer Syndrome; Neoplastic Syndromes, Hereditary; Hereditary neoplastic syndrome. Identifiers: Orphanet 140162, MedGen C0027672, MeSH D009386, MONDO:0015356.
Fanconi anemia complementation group P. Also called: SLX4-Related Fanconi Anemia. Identifiers: Orphanet 84, MedGen C3469542, MONDO:0013499, OMIM 613951.
Fanconi anemia (FA). Also called: Fanconi's anemia. Identifiers: Orphanet 84, MedGen C0015625, MeSH D005199, MONDO:0019391.

Submissions (5):

Labcorp Genetics (formerly Invitae), Labcorp
Classification: Benign for Fanconi anemia. Last evaluated: 2026-02-04. Review status: criteria provided, single submitter. Criteria: Invitae Variant Classification Sherloc (09022015). Collection method: clinical testing. Allele origin: germline.

ARUP Laboratories, Molecular Genetics and Genomics, ARUP Laboratories
Classification: Benign for Fanconi anemia complementation group P. Last evaluated: 2025-07-02. Review status: criteria provided, single submitter. Criteria: ARUP Molecular Germline Variant Investigation Process 2024. Collection method: clinical testing. Allele origin: germline.

KCCC/NGS Laboratory, Kuwait Cancer Control Center
Classification: Benign for Fanconi anemia complementation group P. Last evaluated: 2023-07-07. Review status: criteria provided, single submitter. Criteria: ACMG Guidelines, 2015. Collection method: clinical testing. Allele origin: germline. Affected: yes.

Vantari Genetics
Classification: Likely benign for Hereditary cancer-predisposing syndrome. Last evaluated: 2015-12-07. Review status: criteria provided, single submitter. Criteria: ACMG Guidelines, 2015. Collection method: clinical testing. Allele origin: germline.

Leiden Open Variation Database
Classification: Likely benign. Last evaluated: 2012-08-31. Review status: no assertion criteria provided. Collection method: curation. Allele origin: germline. Affected: yes. Not counted in ClinVar's aggregate classification.
Comment: Curator: Arleen D. Auerbach. Submitter to LOVD: Janine Bakker.

Literature cited by the submitters: PubMed 22911665 (cited by Leiden Open Variation Database).

NM_032444.4(SLX4):c.2854_2855delinsAT (p.Ala952Met)

Gene: SLX4 (SLX4 structure-specific endonuclease subunit; minus strand). Cytogenetic location: 16p13.3.
Variant type: Indel.
Coding change: c.2854_2855delinsAT on transcript NM_032444.4 (MANE Select); coding-DNA positions 2854 to 2855, GC replaced by AT.
Protein change: p.Ala952Met; replaces alanine 952 with methionine.
Molecular consequence: missense variant.
Genome position (GRCh38, 1-based): chr16:3,590,783-3,590,784, GC replaced by AT on the plus strand (GC replaced by AT on the coding strand, the reverse complement: SLX4 is on the minus strand). VCF-style: chr16-3590783-GC-AT. GRCh37 (hg19) VCF-style: chr16-3640784-GC-AT.
Other names: c.2854_2855delGCinsAT (LRG_503t1, NM_032444.3); c.2854_2855delinsAT (NM_032444.2); short protein forms A952M.
Identifiers: ClinVar variation 215537 (VCV000215537.15), dbSNP rs863224277, ClinGen allele CA338677.